The following is an entry in ClinVar:

NM_080916.3(DGUOK):c.757_759del (p.Asn253del)

Genes: DGUOK (deoxyguanosine kinase; plus strand), DGUOK-AS1 (DGUOK antisense RNA 1; minus strand). Cytogenetic location: 2p13.1.
Variant type: Deletion.
Coding change: c.757_759del on transcript NM_080916.3 (MANE Select); coding-DNA positions 757 to 759, 3 bases deleted (AAT; older notation c.757_759delAAT).
Protein change: p.Asn253del; deletes asparagine 253.
Molecular consequence: inframe deletion. On other transcripts: non-coding transcript variant (8).
Genome position (GRCh38, 1-based): chr2:73,958,195-73,958,197, AAT deleted. VCF-style (leftmost placement, unchanged base first): chr2-73958194-CAAT-C. GRCh37 (hg19) VCF-style: chr2-74185321-CAAT-C.
Other names: c.475_477del, p.Asn159del (NM_001318859.2); c.466_468del, p.Asn156del (NM_001318860.2, NM_001318861.2); c.448_450del, p.Asn150del (NM_001318862.2, NM_001318863.2); c.493_495del, p.Asn165del (NM_080918.3); short protein forms N253del, N150del, N156del, N159del, N165del.
Identifiers: ClinVar variation 447247 (VCV000447247.3), dbSNP rs775276142, ClinGen allele CA1718351.

ClinVar aggregate classification (germline): Conflicting classifications of pathogenicity. Review status: criteria provided, conflicting classifications (1 of 4 stars). 2 submissions from 2 submitters: Likely pathogenic (1); Uncertain significance (1). Last evaluated 2022-08-21.

Allele frequency attached by ClinVar (database versions not stated): gnomAD exomes below 0.00001 and 0.00001; TOPMed below 0.00001; ExAC 0.00001; gnomAD 0.00001.

Submissions (2):

GeneDx
Classification: Likely pathogenic. Last evaluated: 2022-08-21. Review status: criteria provided, single submitter. Criteria: GeneDx Variant Classification Process June 2021. Collection method: clinical testing. Allele origin: germline. Affected: yes.
Comment: Has not been previously published as pathogenic or benign to our knowledge; Not observed at significant frequency in large population cohorts (gnomAD); In-frame deletion of 1 amino acid in a non-repeat region; In silico analysis supports that this variant does not alter protein structure/function

Athena Diagnostics
Classification: Uncertain significance. Last evaluated: 2017-01-11. Review status: criteria provided, single submitter. Criteria: Athena Diagnostics Criteria. Collection method: clinical testing. Allele origin: germline.